The following is an entry in ClinVar:

NM_004360.5(CDH1):c.2577T>A (p.Tyr859Ter)

Gene: CDH1 (cadherin 1; plus strand). Cytogenetic location: 16q22.1.
Variant type: single nucleotide variant.
Coding change: c.2577T>A on transcript NM_004360.5 (MANE Select); coding-DNA position 2577, T replaced by A.
Protein change: p.Tyr859Ter; replaces tyrosine 859 with a stop codon.
Molecular consequence: nonsense.
Genome position (GRCh38, 1-based): chr16:68,833,427, T>A. VCF-style: chr16-68833427-T-A. GRCh37 (hg19) VCF-style: chr16-68867330-T-A.
Other names: c.2394T>A, p.Tyr798Ter (NM_001317184.2); c.1029T>A, p.Tyr343Ter (NM_001317185.2); c.612T>A, p.Tyr204Ter (NM_001317186.2); short protein forms Y859*, Y343*, Y798*, Y204*.
Identifiers: ClinVar variation 963573 (VCV000963573.8), dbSNP rs765545887, ClinGen allele CA396472536.

ClinVar aggregate classification (germline): Uncertain significance (1 of 4 stars; one submission).

Conditions:
Hereditary diffuse gastric adenocarcinoma (HDGC). Also called: DIFFUSE GASTRIC AND LOBULAR BREAST CANCER SYNDROME. Identifiers: Orphanet 26106, MedGen C1708349, MONDO:0007648, OMIM 137215.

Submission:

Labcorp Genetics (formerly Invitae), Labcorp
Classification: Uncertain significance for Hereditary diffuse gastric adenocarcinoma. Last evaluated: 2019-11-11. Review status: criteria provided, single submitter. Criteria: Invitae Variant Classification Sherloc (09022015). Collection method: clinical testing. Allele origin: germline.
Comment: This sequence change results in a premature translational stop signal in the CDH1 gene (p.Tyr859*). While this is not anticipated to result in nonsense mediated decay, it is expected to disrupt the last 24 amino acids of the CDH1 protein. This variant is not present in population databases (ExAC no frequency). This variant has not been reported in the literature in individuals with CDH1-related conditions. In summary, the available evidence is currently insufficient to determine the role of this variant in disease. Therefore, it has been classified as a Variant of Uncertain Significance.